The following is an entry in ClinVar:

NM_018834.6(MATR3):c.532T>C (p.Trp178Arg)

Gene: MATR3 (matrin 3; plus strand). Cytogenetic location: 5q31.2.
Variant type: single nucleotide variant.
Coding change: c.532T>C on transcript NM_018834.6 (MANE Select); coding-DNA position 532, T replaced by C.
Protein change: p.Trp178Arg; replaces tryptophan 178 with arginine.
Molecular consequence: missense variant. On other transcripts: intron variant (11).
Genome position (GRCh38, 1-based): chr5:139,307,947, T>C. VCF-style: chr5-139307947-T-C. GRCh37 (hg19) VCF-style: chr5-138643636-T-C.
Other names: c.532T>C, p.Trp178Arg (NM_001194954.2, NM_001194955.2, NM_001400441.1 and 16 more transcripts); c.52-6728T>C (NM_001400459.1); c.-102-6728T>C (NM_001400463.1, NM_001400460.1, NM_001282278.2 and 3 more transcripts); c.-40-7750T>C (NM_001400462.1, NM_001400467.1); c.13-6728T>C (NM_001400461.1); c.49-6728T>C (NM_001194956.2); short protein forms W178R.
Identifiers: ClinVar variation 2707802 (VCV002707802.3), dbSNP rs2546757121, ClinGen allele CA361487473.

ClinVar aggregate classification (germline): Uncertain significance (1 of 4 stars; one submission).

Conditions:
Amyotrophic lateral sclerosis type 21. Also called: VOCAL CORD AND PHARYNGEAL DYSFUNCTION WITH DISTAL MYOPATHY; MYOPATHY, DISTAL, 2. Identifiers: Orphanet 600, Orphanet 803, MedGen C3807521, MONDO:0011632, OMIM 606070.

Submission:

Labcorp Genetics (formerly Invitae), Labcorp
Classification: Uncertain significance for Amyotrophic lateral sclerosis type 21. Last evaluated: 2024-01-05. Review status: criteria provided, single submitter. Criteria: Invitae Variant Classification Sherloc (09022015). Collection method: clinical testing. Allele origin: germline.
Comment: This sequence change replaces tryptophan, which is neutral and slightly polar, with arginine, which is basic and polar, at codon 178 of the MATR3 protein (p.Trp178Arg). This variant is not present in population databases (gnomAD no frequency). This variant has not been reported in the literature in individuals affected with MATR3-related conditions. Advanced modeling of protein sequence and biophysical properties (such as structural, functional, and spatial information, amino acid conservation, physicochemical variation, residue mobility, and thermodynamic stability) performed at Invitae indicates that this missense variant is expected to disrupt MATR3 protein function with a positive predictive value of 80%. In summary, the available evidence is currently insufficient to determine the role of this variant in disease. Therefore, it has been classified as a Variant of Uncertain Significance.